The following is an entry in ClinVar:

ClinVar aggregate classification (germline): Pathogenic/Likely pathogenic. Review status: criteria provided, multiple submitters, no conflicts (2 of 4 stars). 3 submissions from 3 submitters: Pathogenic (2); Likely pathogenic (1). Last evaluated 2024-06-12.

Conditions:
Ehlers-Danlos syndrome, spondylodysplastic type, 2 (EDSSPD2). Also called: Ehlers-Danlos syndrome, progeroid type, 2. Identifiers: Orphanet 536467, Orphanet 75496, MedGen C3809210, MONDO:0014139, OMIM 615349.
B3GALT6-related disorders.

Submissions (3):

Blueprint Genetics
Classification: Pathogenic for B3GALT6-related disorders. Last evaluated: 2024-06-12. Review status: criteria provided, single submitter. Criteria: ACMG Guidelines, 2015. Collection method: clinical testing. Allele origin: de novo. Affected: yes. Observed: 2 variant alleles.

Victorian Clinical Genetics Services, Murdoch Childrens Research Institute
Classification: Likely pathogenic for Ehlers-Danlos syndrome, spondylodysplastic type, 2. Last evaluated: 2023-12-21. Review status: criteria provided, single submitter. Criteria: ACMG Guidelines, 2015. Collection method: clinical testing. Allele origin: germline. Inheritance: Autosomal recessive inheritance. Affected: yes.
Comment: Based on the classification scheme VCGS_Germline_v1.3.4, this variant is classified as Likely pathogenic. Following criteria are met: 0102 - Loss of function is a known mechanism of disease in this gene and is associated with spondyloepimetaphyseal dysplasia with joint laxity, type 1, with or without fractures (MIM#271640), Ehlers-Danlos syndrome, spondylodysplastic type, 2 (MIM#615349) and Al-Gazali syndrome (MIM#609465). (I) 0106 - This gene is associated with autosomal recessive disease. (I) 0200 - Variant is predicted to result in a missense amino acid change from arginine to tryptophan. (I) 0252 - This variant is homozygous. (I) 0301 - Variant is absent from gnomAD (both v2 and v3). (SP) 0501 - Missense variant consistently predicted to be damaging by multiple in silico tools or highly conserved with a major amino acid change. (SP) 0600 - Variant is located in the annotated galactosyltransferase domain (DECIPHER). (I) 0705 - No comparable missense variants have previous evidence for pathogenicity. (I) 0803 - This variant has limited previous evidence of pathogenicity in unrelated individuals. This variant has been classified as pathogenic and was observed as compound heterozygous in two siblings with clinical features reminsicent of the kyphoscoliotic type of EDS, or of the spondyloepimetaphyseal dysplasia with joint laxity (ClinVar, PMID: 28649518). (SP) 1002 - This variant has moderate functional evidence supporting abnormal protein function. In transfected HeLa and HEK-293 cells, this variant has been show to cause mislocalization of the protein which is retained in the ER, and reduced glycosaminoglycan biosynthesis has also been demonstrated (PMID: 29443383). (SP) 1208 - Inheritance information for this variant is not currently available in this individual. (I) Legend: (SP) - Supporting pathogenic, (I) - Information, (SB) - Supporting benign

Division of Biology and Genetics, University of Brescia
Classification: Pathogenic for Ehlers-Danlos syndrome, spondylodysplastic type, 2. Review status: criteria provided, single submitter. Criteria: ACMG Guidelines, 2015. Collection method: clinical testing. Allele origin: paternal. Inheritance: Autosomal recessive inheritance. Affected: yes. Observed: 4 variant alleles, 1 heterozygote, 3 compound heterozygotes.

Literature cited by the submitters: PubMed 28649518 (cited by Victorian Clinical Genetics Services, Murdoch Childrens Research Institute and Division of Biology and Genetics, University of Brescia); PubMed 29443383 (cited by Victorian Clinical Genetics Services, Murdoch Childrens Research Institute).

NM_080605.4(B3GALT6):c.766C>T (p.Arg256Trp)

Gene: B3GALT6 (beta-1,3-galactosyltransferase 6; plus strand). Cytogenetic location: 1p36.33.
Variant type: single nucleotide variant.
Coding change: c.766C>T on transcript NM_080605.4 (MANE Select); coding-DNA position 766, C replaced by T.
Protein change: p.Arg256Trp; replaces arginine 256 with tryptophan.
Molecular consequence: missense variant.
Genome position (GRCh38, 1-based): chr1:1,233,044, C>T. VCF-style: chr1-1233044-C-T. GRCh37 (hg19) VCF-style: chr1-1168424-C-T.
Other names: short protein forms R256W.
Identifiers: ClinVar variation 996067 (VCV000996067.4), dbSNP rs1638566519, ClinGen allele CA337829295.